The following is an entry in ClinVar:

NM_000836.4(GRIN2D):c.3499G>C (p.Asp1167His)

Gene: GRIN2D (glutamate ionotropic receptor NMDA type subunit 2D; plus strand). Cytogenetic location: 19q13.33.
Variant type: single nucleotide variant.
Coding change: c.3499G>C on transcript NM_000836.4 (MANE Select); coding-DNA position 3499, G replaced by C.
Protein change: p.Asp1167His; replaces aspartic acid 1167 with histidine.
Molecular consequence: missense variant.
Genome position (GRCh38, 1-based): chr19:48,443,425, G>C. VCF-style: chr19-48443425-G-C. GRCh37 (hg19) VCF-style: chr19-48946682-G-C.
Other names: short protein forms D1167H.
Identifiers: ClinVar variation 1377515 (VCV001377515.6), dbSNP rs2147477550, ClinGen allele CA406676539.

ClinVar aggregate classification (germline): Uncertain significance (1 of 4 stars; one submission).

Submission:

Labcorp Genetics (formerly Invitae), Labcorp
Classification: Uncertain significance. Last evaluated: 2021-08-25. Review status: criteria provided, single submitter. Criteria: Invitae Variant Classification Sherloc (09022015). Collection method: clinical testing. Allele origin: germline.
Comment: In summary, the available evidence is currently insufficient to determine the role of this variant in disease. Therefore, it has been classified as a Variant of Uncertain Significance. Advanced modeling of protein sequence and biophysical properties (such as structural, functional, and spatial information, amino acid conservation, physicochemical variation, residue mobility, and thermodynamic stability) performed at Invitae indicates that this missense variant is not expected to disrupt GRIN2D protein function. This variant has not been reported in the literature in individuals affected with GRIN2D-related conditions. The frequency data for this variant in the population databases is considered unreliable, as metrics indicate insufficient coverage at this position in the ExAC database. This sequence change replaces aspartic acid with histidine at codon 1167 of the GRIN2D protein (p.Asp1167His). The aspartic acid residue is weakly conserved and there is a moderate physicochemical difference between aspartic acid and histidine.